The following is an entry in ClinVar:

ClinVar aggregate classification (germline): Uncertain significance (1 of 4 stars; one submission).

Submission:

Labcorp Genetics (formerly Invitae), Labcorp
Classification: Uncertain significance. Last evaluated: 2023-09-10. Review status: criteria provided, single submitter. Criteria: Invitae Variant Classification Sherloc (09022015). Collection method: clinical testing. Allele origin: germline.
Comment: Advanced modeling of protein sequence and biophysical properties (such as structural, functional, and spatial information, amino acid conservation, physicochemical variation, residue mobility, and thermodynamic stability) performed at Invitae indicates that this missense variant is not expected to disrupt CLTC protein function. ClinVar contains an entry for this variant (Variation ID: 1380669). This variant has not been reported in the literature in individuals affected with CLTC-related conditions. This variant is not present in population databases (gnomAD no frequency). This sequence change replaces glutamine, which is neutral and polar, with histidine, which is basic and polar, at codon 1114 of the CLTC protein (p.Gln1114His). In summary, the available evidence is currently insufficient to determine the role of this variant in disease. Therefore, it has been classified as a Variant of Uncertain Significance.

NM_004859.4(CLTC):c.3330A>C (p.Gln1110His)

Gene: CLTC (clathrin heavy chain; plus strand). Cytogenetic location: 17q23.1.
Variant type: single nucleotide variant.
Coding change: c.3330A>C on transcript NM_004859.4 (MANE Select); coding-DNA position 3330, A replaced by C.
Protein change: p.Gln1110His; replaces glutamine 1110 with histidine.
Molecular consequence: missense variant.
Genome position (GRCh38, 1-based): chr17:59,681,727, A>C. VCF-style: chr17-59681727-A-C. GRCh37 (hg19) VCF-style: chr17-57759088-A-C.
Other names: c.3342A>C, p.Gln1114His (NM_001288653.2); short protein forms Q1114H, Q1110H.
Identifiers: ClinVar variation 1380669 (VCV001380669.6), dbSNP rs2143592350, ClinGen allele CA400417547.
Genomic context (GRCh38, chr17:59,681,727, plus strand): 5'-AAACTTGGATCGGGCATATGAGTTTGCTGAACGTTGCAATGAACCTGCGGTCTGGAGTCA[A>C]CTTGCAAAAGCCCAGTTGCAGAAAGGAATGGTGAAAGAAGCCATTGATTCTTATATCAAA-3'
Protein context (NP_004850.1, residues 1100-1120): ERCNEPAVWS[Gln1110His]LAKAQLQKGM